The following is an entry in ClinVar:

ClinVar aggregate classification (germline): Benign/Likely benign. Review status: criteria provided, multiple submitters, no conflicts (2 of 4 stars). 6 submissions from 6 submitters: Benign (5); Likely benign (1). Last evaluated 2026-07-01.

Conditions:
Primary ciliary dyskinesia 24 (CILD24). Also called: CILIARY DYSKINESIA, PRIMARY, 24, WITHOUT SITUS INVERSUS. Identifiers: Orphanet 244, MedGen C3809634, MONDO:0014202, OMIM 615481.
Primary ciliary dyskinesia. Also called: Ciliary dyskinesia. Identifiers: Orphanet 244, MedGen C0008780, MONDO:0016575, HP:0012265.

Allele frequency attached by ClinVar (database versions not stated): 1000 Genomes Project 30x 0.00172; 1000 Genomes Project 0.00200; TOPMed 0.00537; gnomAD exomes 0.00605 and 0.01091; gnomAD 0.00606 and 0.00628; ExAC 0.00628; ESP Exome Variant Server 0.00784.
gnomAD v4.1: 16,625 of 1,614,138 alleles (1%); highest among the groups gnomAD compares: Non-Finnish European, 1.3%; 116 homozygotes.

Submissions (6):

CeGaT Center for Human Genetics Tuebingen
Classification: Benign. Last evaluated: 2026-07-01. Review status: criteria provided, single submitter. Criteria: CeGaT Center For Human Genetics Tuebingen Variant Classification Criteria Version 2. Collection method: clinical testing. Allele origin: germline. Affected: yes. Observed: 4 variant alleles.
Comment: RSPH1: BP4, BP7, BS1, BS2

Labcorp Genetics (formerly Invitae), Labcorp
Classification: Benign for Primary ciliary dyskinesia. Last evaluated: 2026-02-01. Review status: criteria provided, single submitter. Criteria: Invitae Variant Classification Sherloc (09022015). Collection method: clinical testing. Allele origin: germline.

Blueprint Genetics
Classification: Likely benign. Last evaluated: 2024-11-28. Review status: criteria provided, single submitter. Criteria: ACMG Guidelines, 2015. Collection method: clinical testing. Allele origin: germline.

Mayo Clinic Laboratories, Mayo Clinic
Classification: Benign. Last evaluated: 2024-07-25. Review status: criteria provided, single submitter. Criteria: ACMG Guidelines, 2015. Collection method: clinical testing. Allele origin: germline. Observed: 4 variant alleles.
Comment: BS1, BS2, BP4, BP7

ARUP Laboratories, Molecular Genetics and Genomics, ARUP Laboratories
Classification: Benign for Primary ciliary dyskinesia 24. Last evaluated: 2024-04-04. Review status: criteria provided, single submitter. Criteria: ARUP Molecular Germline Variant Investigation Process 2024. Collection method: clinical testing. Allele origin: germline.

Breakthrough Genomics
Classification: Benign. Review status: criteria provided, single submitter. Criteria: ACMG Guidelines, 2015. Collection method: not provided. Allele origin: germline. Inheritance: Autosomal recessive inheritance. Affected: yes.

NM_080860.4(RSPH1):c.450C>T (p.Ala150=)

Gene: RSPH1 (radial spoke head component 1; minus strand). Cytogenetic location: 21q22.3.
Variant type: single nucleotide variant.
Coding change: c.450C>T on transcript NM_080860.4 (MANE Select); coding-DNA position 450, C replaced by T.
Protein change: p.Ala150=; no amino-acid change (alanine 150 retained).
Molecular consequence: synonymous variant.
Genome position (GRCh38, 1-based): chr21:42,485,720, G>A on the plus strand (C>T on the coding strand, the complement: RSPH1 is on the minus strand). VCF-style: chr21-42485720-G-A. GRCh37 (hg19) VCF-style: chr21-43905830-G-A.
Other names: p.Ala150=; c.336C>T, p.Ala112= (NM_001286506.2).
Identifiers: ClinVar variation 241784 (VCV000241784.26), dbSNP rs117797631, ClinGen allele CA10043933.